The following is an entry in ClinVar:

ClinVar aggregate classification (germline): Uncertain significance. Review status: criteria provided, multiple submitters, no conflicts (2 of 4 stars). 2 submissions from 2 submitters: Uncertain significance (2). Last evaluated 2025-10-22.

Conditions:
LRRC45-related disorder. Also called: LRRC45-related condition.

gnomAD v4.1: 3 of 1,547,378 alleles (0.00019%); highest among the groups gnomAD compares: East Asian, 0.0049%; no homozygotes.

Submissions (2):

PreventionGenetics, part of Exact Sciences
Classification: Uncertain significance for LRRC45-related condition. Last evaluated: 2025-10-22. Review status: criteria provided, single submitter. Criteria: ACMG Guidelines, 2015. Collection method: clinical testing. Allele origin: germline.
Comment: The LRRC45 c.1546C>T variant is predicted to result in the amino acid substitution p.Arg516Trp. To our knowledge, this variant has not been reported in the literature. This variant is reported in 0.0091% of alleles in individuals of East Asian descent in gnomAD. At this time, the clinical significance of this variant is uncertain due to the absence of conclusive functional and genetic evidence.

Ambry Genetics
Classification: Uncertain significance. Last evaluated: 2025-08-24. Review status: criteria provided, single submitter. Criteria: Ambry Variant Classification Scheme 2023. Collection method: clinical testing. Allele origin: germline.

NM_144999.4(LRRC45):c.1546C>T (p.Arg516Trp)

Gene: LRRC45 (leucine rich repeat containing 45; plus strand). Cytogenetic location: 17q25.3.
Variant type: single nucleotide variant.
Coding change: c.1546C>T on transcript NM_144999.4 (MANE Select); coding-DNA position 1546, C replaced by T.
Protein change: p.Arg516Trp; replaces arginine 516 with tryptophan.
Molecular consequence: missense variant.
Genome position (GRCh38, 1-based): chr17:82,030,116, C>T. VCF-style: chr17-82030116-C-T. GRCh37 (hg19) VCF-style: chr17-79987992-C-T.
Other names: c.1546C>T (NM_144999.3); short protein forms R516W.
Identifiers: ClinVar variation 4100471 (VCV004100471.2).